The following is an entry in ClinVar:

ClinVar aggregate classification (germline): Uncertain significance (1 of 4 stars; one submission).

Conditions:
Early-infantile DEE. Also called: Ohtahara syndrome; Early infantile epileptic encephalopathy with suppression bursts; Early infantile epileptic encephalopathy. Identifiers: Orphanet 1934, MedGen C0393706, MONDO:0800491.

Submission:

Labcorp Genetics (formerly Invitae), Labcorp
Classification: Uncertain significance for Early-infantile DEE. Last evaluated: 2021-12-06. Review status: criteria provided, single submitter. Criteria: Invitae Variant Classification Sherloc (09022015). Collection method: clinical testing. Allele origin: germline.
Comment: In summary, the available evidence is currently insufficient to determine the role of this variant in disease. Therefore, it has been classified as a Variant of Uncertain Significance. Algorithms developed to predict the effect of missense changes on protein structure and function (SIFT, PolyPhen-2, Align-GVGD) all suggest that this variant is likely to be tolerated. This variant has not been reported in the literature in individuals affected with SCN8A-related conditions. This variant is not present in population databases (gnomAD no frequency). This sequence change replaces leucine, which is neutral and non-polar, with isoleucine, which is neutral and non-polar, at codon 688 of the SCN8A protein (p.Leu688Ile).

NM_001330260.2(SCN8A):c.2062T>A (p.Leu688Ile)

Gene: SCN8A (sodium voltage-gated channel alpha subunit 8; plus strand). Cytogenetic location: 12q13.13.
Variant type: single nucleotide variant.
Coding change: c.2062T>A on transcript NM_001330260.2 (MANE Select); coding-DNA position 2062, T replaced by A.
Protein change: p.Leu688Ile; replaces leucine 688 with isoleucine.
Molecular consequence: missense variant.
Genome position (GRCh38, 1-based): chr12:51,745,966, T>A. VCF-style: chr12-51745966-T-A. GRCh37 (hg19) VCF-style: chr12-52139750-T-A.
Other names: c.2062T>A, p.Leu688Ile (NM_001177984.3, NM_001369788.1, NM_014191.4); short protein forms L688I.
Identifiers: ClinVar variation 2034616 (VCV002034616.4), dbSNP rs2540232121, ClinGen allele CA384878639.